The following is an entry in ClinVar:

NM_001128840.3(CACNA1D):c.377+1G>A

Gene: CACNA1D (calcium voltage-gated channel subunit alpha1 D; plus strand). Cytogenetic location: 3p21.1.
Variant type: single nucleotide variant.
Coding change: c.377+1G>A on transcript NM_001128840.3 (MANE Select); the canonical splice donor site of the intron after coding-DNA position 377, G replaced by A.
Molecular consequence: splice donor variant.
Genome position (GRCh38, 1-based): chr3:53,497,462, G>A. VCF-style: chr3-53497462-G-A. GRCh37 (hg19) VCF-style: chr3-53531489-G-A.
Other names: c.377+1G>A (NM_001128839.3, NM_000720.4).
Identifiers: ClinVar variation 2233979 (VCV002233979.5), dbSNP rs757227559, ClinGen allele CA2453663.

ClinVar aggregate classification (germline): Uncertain significance. Review status: criteria provided, multiple submitters, no conflicts (2 of 4 stars). 2 submissions from 2 submitters: Uncertain significance (2). Last evaluated 2025-11-24.

Conditions:
Inborn genetic diseases. Identifiers: MedGen C0950123, MeSH D030342.

Allele frequency attached by ClinVar (database versions not stated): ExAC 0.00001; gnomAD 0.00002; gnomAD exomes below 0.00001; TOPMed 0.00001.
gnomAD v4.1: 5 of 1,613,710 alleles (0.00031%); highest among the groups gnomAD compares: African/African-American, 0.0053%; no homozygotes.

Submissions (2):

Labcorp Genetics (formerly Invitae), Labcorp
Classification: Uncertain significance. Last evaluated: 2025-11-24. Review status: criteria provided, single submitter. Criteria: Invitae Variant Classification Sherloc (09022015). Collection method: clinical testing. Allele origin: germline.
Comment: This sequence change affects a donor splice site in intron 2 of the CACNA1D gene. It is expected to disrupt RNA splicing. Variants that disrupt the donor or acceptor splice site typically lead to a loss of protein function (PMID: 16199547), however the current clinical and genetic evidence is not sufficient to establish whether loss-of-function variants in CACNA1D cause disease. This variant is present in population databases (rs757227559, gnomAD 0.01%). This variant has not been reported in the literature in individuals affected with CACNA1D-related conditions. ClinVar contains an entry for this variant (Variation ID: 2233979). In summary, the available evidence is currently insufficient to determine the role of this variant in disease. Therefore, it has been classified as a Variant of Uncertain Significance.

Ambry Genetics
Classification: Uncertain significance for Inborn genetic diseases. Last evaluated: 2021-07-16. Review status: criteria provided, single submitter. Criteria: Ambry Variant Classification Scheme 2023. Collection method: clinical testing. Allele origin: germline.
Comment: Loss of function has not been clearly established as a mechanism of disease for primary aldosteronism, seizures, and neurologic abnormalities (AD). This alteration is located within a predicted U12-type intron for which available in silico tools are not reliable. Based on insufficient or conflicting evidence, the clinical significance of this alteration remains unclear.

Literature cited by the submitters: PubMed 16199547 (cited by Labcorp Genetics (formerly Invitae), Labcorp).